The following is an entry in ClinVar:

NM_006302.3(MOGS):c.2055T>C (p.Tyr685=)

Gene: MOGS (mannosyl-oligosaccharide glucosidase; minus strand). Cytogenetic location: 2p13.1.
Variant type: single nucleotide variant.
Coding change: c.2055T>C on transcript NM_006302.3 (MANE Select); coding-DNA position 2055, T replaced by C.
Protein change: p.Tyr685=; no amino-acid change (tyrosine 685 retained).
Molecular consequence: synonymous variant.
Genome position (GRCh38, 1-based): chr2:74,461,734, A>G on the plus strand (T>C on the coding strand, the complement: MOGS is on the minus strand). VCF-style: chr2-74461734-A-G. GRCh37 (hg19) VCF-style: chr2-74688861-A-G.
Other names: c.2055T>C, p.Tyr685= (LRG_1226t1); c.1737T>C, p.Tyr579= (NM_001146158.2).
Identifiers: ClinVar variation 281500 (VCV000281500.43), dbSNP rs202094225, ClinGen allele CA1724665.
Genomic context (GRCh38, chr2:74,461,734, plus strand): 5'-GGTGGGGTCCAGCAGTCGCAGCAGCAAGGGAAAAAGACTGACATAGCCAAGAGCATCTAC[A>G]TACTGCAGTTGAGGTTGGGGCCGACCCACCACCCGAACGAGCCCCTGAGGGGGCCTGGGC-3'
Protein context (NP_006293.2, residues 675-695): VVGRPQPQLQ[Tyr685=]VDALGYVSLF

ClinVar aggregate classification (germline): Conflicting classifications of pathogenicity. Review status: criteria provided, conflicting classifications (1 of 4 stars). 6 submissions from 6 submitters: Uncertain significance (1); Benign (1); Likely benign (4). Last evaluated 2026-06-01.

Conditions:
MOGS-congenital disorder of glycosylation. Also called: CDG 2B; CDG IIb; GLUCOSIDASE I DEFICIENCY; MOGS-CDG. Identifiers: Orphanet 79330, MedGen C1853736, MONDO:0011629, OMIM 606056.

Allele frequency attached by ClinVar (database versions not stated): 1000 Genomes Project 0.00060; ExAC 0.00073; 1000 Genomes Project 30x 0.00078; ESP Exome Variant Server 0.00097; gnomAD exomes 0.00098 and 0.00162; gnomAD 0.00122 and 0.00123; TOPMed 0.00139.
gnomAD v4.1: 2,557 of 1,614,188 alleles (0.16%); highest among the groups gnomAD compares: Non-Finnish European, 0.2%; 4 homozygotes.

Submissions (6):

CeGaT Center for Human Genetics Tuebingen
Classification: Likely benign. Last evaluated: 2026-06-01. Review status: criteria provided, single submitter. Criteria: CeGaT Center For Human Genetics Tuebingen Variant Classification Criteria Version 2. Collection method: clinical testing. Allele origin: germline. Affected: yes. Observed: 3 variant alleles.
Comment: MOGS: BP4, BP7

Labcorp Genetics (formerly Invitae), Labcorp
Classification: Likely benign for MOGS-congenital disorder of glycosylation. Last evaluated: 2026-01-26. Review status: criteria provided, single submitter. Criteria: Invitae Variant Classification Sherloc (09022015). Collection method: clinical testing. Allele origin: germline.

Blueprint Genetics
Classification: Likely benign. Last evaluated: 2024-11-25. Review status: criteria provided, single submitter. Criteria: ACMG Guidelines, 2015. Collection method: clinical testing. Allele origin: germline.

ARUP Laboratories, Molecular Genetics and Genomics, ARUP Laboratories
Classification: Benign for MOGS-congenital disorder of glycosylation. Last evaluated: 2024-10-30. Review status: criteria provided, single submitter. Criteria: ARUP Molecular Germline Variant Investigation Process 2024. Collection method: clinical testing. Allele origin: germline.

GeneDx
Classification: Likely benign. Last evaluated: 2020-04-08. Review status: criteria provided, single submitter. Criteria: GeneDx Variant Classification Process June 2021. Collection method: clinical testing. Allele origin: germline. Affected: yes.

Eurofins Ntd Llc (ga)
Classification: Uncertain significance. Last evaluated: 2015-06-16. Review status: criteria provided, single submitter. Criteria: EGL Classification Definitions 2015. Collection method: clinical testing. Allele origin: germline. Observed: 1 variant allele, 1 heterozygote.